The following is an entry in ClinVar:

NM_004526.4(MCM2):c.883C>T (p.Arg295Cys)

Gene: MCM2 (minichromosome maintenance complex component 2; plus strand). Cytogenetic location: 3q21.3.
Variant type: single nucleotide variant.
Coding change: c.883C>T on transcript NM_004526.4 (MANE Select); coding-DNA position 883, C replaced by T.
Protein change: p.Arg295Cys; replaces arginine 295 with cysteine.
Molecular consequence: missense variant. On other transcripts: non-coding transcript variant (1).
Genome position (GRCh38, 1-based): chr3:127,606,327, C>T. VCF-style: chr3-127606327-C-T. GRCh37 (hg19) VCF-style: chr3-127325170-C-T.
Other names: short protein forms R295C.
Identifiers: ClinVar variation 2776413 (VCV002776413.3), dbSNP rs1284574032, ClinGen allele CA354385022.
Genomic context (GRCh38, chr3:127,606,327, plus strand): 5'-GACCGCATCACCAACCACATCCATGTCCGCATCTCCCACCTGCCTCTGGTGGAGGAGCTG[C>T]GCTCGCTGAGGTGAGCTGAGGGCAGGTGAGGATGGCAGGTCCGAGCTCAGTGCTGGGTGA-3'
Protein context (NP_004517.2, residues 285-305): ISHLPLVEEL[Arg295Cys]SLRQLHLNQL

ClinVar aggregate classification (germline): Uncertain significance (1 of 4 stars; one submission).

Allele frequency attached by ClinVar (database versions not stated): gnomAD 0.00001.

Submission:

Labcorp Genetics (formerly Invitae), Labcorp
Classification: Uncertain significance. Last evaluated: 2023-11-13. Review status: criteria provided, single submitter. Criteria: Invitae Variant Classification Sherloc (09022015). Collection method: clinical testing. Allele origin: germline.
Comment: This sequence change replaces arginine, which is basic and polar, with cysteine, which is neutral and slightly polar, at codon 295 of the MCM2 protein (p.Arg295Cys). This variant is present in population databases (no rsID available, gnomAD 0.003%). This variant has not been reported in the literature in individuals affected with MCM2-related conditions. Advanced modeling of protein sequence and biophysical properties (such as structural, functional, and spatial information, amino acid conservation, physicochemical variation, residue mobility, and thermodynamic stability) performed at Invitae indicates that this missense variant is not expected to disrupt MCM2 protein function with a negative predictive value of 80%. In summary, the available evidence is currently insufficient to determine the role of this variant in disease. Therefore, it has been classified as a Variant of Uncertain Significance.